The following is an entry in ClinVar:

ClinVar aggregate classification (germline): Likely benign. Review status: criteria provided, multiple submitters, no conflicts (2 of 4 stars). 2 submissions from 2 submitters: Likely benign (2). Last evaluated 2026-07-01.

Allele frequency attached by ClinVar (database versions not stated): TOPMed 0.00004; ExAC 0.00005; gnomAD 0.00007; 1000 Genomes Project 0.00020; 1000 Genomes Project 30x 0.00031.
gnomAD v4.1: 200 of 1,614,196 alleles (0.012%); highest among the groups gnomAD compares: Non-Finnish European, 0.016%; no homozygotes.

Submissions (2):

CeGaT Center for Human Genetics Tuebingen
Classification: Likely benign. Last evaluated: 2026-07-01. Review status: criteria provided, single submitter. Criteria: CeGaT Center For Human Genetics Tuebingen Variant Classification Criteria Version 2. Collection method: clinical testing. Allele origin: germline. Affected: yes. Observed: 2 variant alleles.
Comment: BRD4: BP4, BP7

Labcorp Genetics (formerly Invitae), Labcorp
Classification: Likely benign. Last evaluated: 2025-09-02. Review status: criteria provided, single submitter. Criteria: Invitae Variant Classification Sherloc (09022015). Collection method: clinical testing. Allele origin: germline.

NM_001379291.1(BRD4):c.1074C>T (p.Ser358=)

Gene: BRD4 (bromodomain containing 4; minus strand). Cytogenetic location: 19p13.12.
Variant type: single nucleotide variant.
Coding change: c.1074C>T on transcript NM_001379291.1 (MANE Select); coding-DNA position 1074, C replaced by T.
Protein change: p.Ser358=; no amino-acid change (serine 358 retained).
Molecular consequence: synonymous variant.
Genome position (GRCh38, 1-based): chr19:15,264,542, G>A on the plus strand (C>T on the coding strand, the complement: BRD4 is on the minus strand). VCF-style: chr19-15264542-G-A. GRCh37 (hg19) VCF-style: chr19-15375353-G-A.
Other names: c.1074C>T, p.Ser358= (NM_001330384.2, NM_001379292.1, NM_014299.3 and 1 more transcripts).
Identifiers: ClinVar variation 2867559 (VCV002867559.17), dbSNP rs200150650, ClinGen allele CA9265456.